The following is an entry in ClinVar:

ClinVar aggregate classification (germline): Uncertain significance. Review status: criteria provided, multiple submitters, no conflicts (2 of 4 stars). 6 submissions from 6 submitters: Uncertain significance (6). Last evaluated 2025-11-18.

Conditions:
Renal cell carcinoma. Identifiers: Orphanet 217071, MedGen C0007134, MeSH D002292, MONDO:0005086, HP:0005584.
Hereditary cancer-predisposing syndrome. Also called: Neoplastic Syndromes, Hereditary; Tumor predisposition; Hereditary Cancer Syndrome; Hereditary neoplastic syndrome. Identifiers: Orphanet 140162, MedGen C0027672, MeSH D009386, MONDO:0015356.
Papillary renal cell carcinoma type 1 (RCCP1). Also called: RENAL CELL CARCINOMA, PAPILLARY, 1, SOMATIC; Renal adenocarcinoma; Renal cell carcinoma 1; Renal cell carcinoma, somatic. Identifiers: Orphanet 47044, MedGen C1336839, OMIM 605074, HP:0011797.
Autosomal recessive nonsyndromic hearing loss 97. Also called: Deafness, autosomal recessive 97. Identifiers: Orphanet 90636, MedGen C4084709, MONDO:0014739, OMIM 616705.

Allele frequency attached by ClinVar (database versions not stated): gnomAD exomes below 0.00001.

Submissions (6):

Labcorp Genetics (formerly Invitae), Labcorp
Classification: Uncertain significance for Renal cell carcinoma. Last evaluated: 2025-11-18. Review status: criteria provided, single submitter. Criteria: Invitae Variant Classification Sherloc (09022015). Collection method: clinical testing. Allele origin: germline.
Comment: This sequence change replaces valine, which is neutral and non-polar, with leucine, which is neutral and non-polar, at codon 6 of the MET protein (p.Val6Leu). This variant is present in population databases (no rsID available, gnomAD 0.0009%). This variant has not been reported in the literature in individuals affected with MET-related conditions. ClinVar contains an entry for this variant (Variation ID: 819874). An algorithm developed to predict the effect of missense changes on protein structure and function (PolyPhen-2) suggests that this variant is likely to be tolerated. In summary, the available evidence is currently insufficient to determine the role of this variant in disease. Therefore, it has been classified as a Variant of Uncertain Significance.

Quest Diagnostics Nichols Institute San Juan Capistrano
Classification: Uncertain significance. Last evaluated: 2025-07-24. Review status: criteria provided, single submitter. Criteria: Quest Diagnostics criteria. Collection method: clinical testing. Allele origin: unknown.

Ambry Genetics
Classification: Uncertain significance for Hereditary cancer-predisposing syndrome. Last evaluated: 2024-03-06. Review status: criteria provided, single submitter. Criteria: Ambry Variant Classification Scheme 2023. Collection method: clinical testing. Allele origin: germline.
Comment: The p.V6L variant (also known as c.16G>T), located in coding exon 1 of the MET gene, results from a G to T substitution at nucleotide position 16. The valine at codon 6 is replaced by leucine, an amino acid with highly similar properties. This amino acid position is not well conserved in available vertebrate species. In addition, this alteration is predicted to be tolerated by in silico analysis. Since supporting evidence is limited at this time, the clinical significance of this alteration remains unclear.

Baylor Genetics
Classification: Uncertain significance for Autosomal recessive nonsyndromic hearing loss 97. Last evaluated: 2023-12-06. Review status: criteria provided, single submitter. Criteria: ACMG Guidelines, 2015. Collection method: clinical testing. Allele origin: unknown.

St. Jude Molecular Pathology, St. Jude Children's Research Hospital
Classification: Uncertain significance for Papillary renal cell carcinoma type 1. Last evaluated: 2023-10-24. Review status: criteria provided, single submitter. Criteria: St. Jude Assertion Criteria 2020. Collection method: clinical testing. Allele origin: germline.
Comment: The MET c.16G>T (p.Val6Leu) missense change has a maximum frequency of 0.00088% in gnomAD v2.1.1. The in silico tool REVEL predicts a benign effect on protein function, but to our knowledge this prediction has not been confirmed by functional studies. To our knowledge, this variant has not been reported in individuals with hereditary papillary renal cell carcinoma. In summary, the evidence currently available is insufficient to determine the clinical significance of this variant. It has therefore been classified as of uncertain significance.

GeneDx
Classification: Uncertain significance. Last evaluated: 2023-09-07. Review status: criteria provided, single submitter. Criteria: GeneDx Variant Classification Process June 2021. Collection method: clinical testing. Allele origin: germline. Affected: yes.
Comment: Not observed at significant frequency in large population cohorts (gnomAD); In silico analysis supports that this missense variant does not alter protein structure/function; Has not been previously published as pathogenic or benign to our knowledge

NM_000245.4(MET):c.16G>T (p.Val6Leu)

Gene: MET (MET proto-oncogene, receptor tyrosine kinase; plus strand). Cytogenetic location: 7q31.2.
Variant type: single nucleotide variant.
Coding change: c.16G>T on transcript NM_000245.4 (MANE Select); coding-DNA position 16, G replaced by T.
Protein change: p.Val6Leu; replaces valine 6 with leucine.
Molecular consequence: missense variant. On other transcripts: intron variant (1).
Genome position (GRCh38, 1-based): chr7:116,699,100, G>T. VCF-style: chr7-116699100-G-T. GRCh37 (hg19) VCF-style: chr7-116339154-G-T.
Other names: c.16G>T, p.Val6Leu (NM_001324401.3, NM_001127500.3); c.-91+26523G>T (NM_001324402.2); c.16G>T (NM_001127500.2); short protein forms V6L.
Identifiers: ClinVar variation 819874 (VCV000819874.17), dbSNP rs1395233386, ClinGen allele CA368968170.